The following is an entry in ClinVar:

NM_023110.3(FGFR1):c.532T>C (p.Cys178Arg)

Gene: FGFR1 (fibroblast growth factor receptor 1; minus strand). Cytogenetic location: 8p11.23.
Variant type: single nucleotide variant.
Coding change: c.532T>C on transcript NM_023110.3 (MANE Select); coding-DNA position 532, T replaced by C.
Protein change: p.Cys178Arg; replaces cysteine 178 with arginine.
Molecular consequence: missense variant.
Genome position (GRCh38, 1-based): chr8:38,428,010, A>G on the plus strand (T>C on the coding strand, the complement: FGFR1 is on the minus strand). VCF-style: chr8-38428010-A-G. GRCh37 (hg19) VCF-style: chr8-38285528-A-G.
Other names: c.532T>C, p.Cys178Arg (NM_001174063.2); c.508T>C, p.Cys170Arg (NM_001174064.2); c.526T>C, p.Cys176Arg (NM_001174065.2, NM_001354367.2, NM_001354369.2 and 1 more transcripts); c.265T>C, p.Cys89Arg (NM_001174066.2, NM_023105.3); c.625T>C, p.Cys209Arg (NM_001174067.2); c.259T>C, p.Cys87Arg (NM_001354368.2, NM_001354370.2, NM_023106.3); c.532T>C (NM_023110.2); short protein forms C170R, C178R, C87R, C176R, C209R, C89R.
Identifiers: ClinVar variation 1421178 (VCV001421178.6), dbSNP rs2150914598, ClinGen allele CA370735697.

ClinVar aggregate classification (germline): Conflicting classifications of pathogenicity. Review status: criteria provided, conflicting classifications (1 of 4 stars). 2 submissions from 2 submitters: Likely pathogenic (1); Uncertain significance (1). Last evaluated 2025-01-27.

Conditions:
Hypogonadotropic hypogonadism 2 with or without anosmia (HH2). Also called: FGFR1-Related GnRH Deficiency (Kallmann Syndrome 2); HYPOGONADOTROPIC HYPOGONADISM 2 WITHOUT ANOSMIA; HYPOGONADOTROPIC HYPOGONADISM 2 WITH OR WITHOUT ANOSMIA, SUSCEPTIBILITY TO; HYPOGONADOTROPIC HYPOGONADISM 2 WITHOUT ANOSMIA, SUSCEPTIBILITY TO. Identifiers: Orphanet 478, MedGen C1563720, MONDO:0007844, OMIM 147950. Disease mechanism: loss of function.
Pfeiffer syndrome (ACS5). Also called: ACS V. Identifiers: Orphanet 710, MedGen C0220658, MONDO:0007043, OMIM 101600.

Submissions (2):

Labcorp Genetics (formerly Invitae), Labcorp
Classification: Likely pathogenic for Pfeiffer syndrome; Hypogonadotropic hypogonadism 2 with or without anosmia. Last evaluated: 2025-01-27. Review status: criteria provided, single submitter. Criteria: Invitae Variant Classification Sherloc (09022015). Collection method: clinical testing. Allele origin: germline.
Comment: This sequence change replaces cysteine, which is neutral and slightly polar, with arginine, which is basic and polar, at codon 178 of the FGFR1 protein (p.Cys178Arg). This variant is not present in population databases (gnomAD no frequency). This missense change has been observed in individuals with autosomal dominant FGFR1-related conditions (PMID: 37805574; internal data). ClinVar contains an entry for this variant (Variation ID: 1421178). Invitae Evidence Modeling of protein sequence and biophysical properties (such as structural, functional, and spatial information, amino acid conservation, physicochemical variation, residue mobility, and thermodynamic stability) indicates that this missense variant is expected to disrupt FGFR1 protein function with a positive predictive value of 80%. This variant disrupts the p.Cys178 amino acid residue in FGFR1. Other variant(s) that disrupt this residue have been determined to be pathogenic (PMID: 16757108, 27596331). This suggests that this residue is clinically significant, and that variants that disrupt this residue are likely to be disease-causing. In summary, the currently available evidence indicates that the variant is pathogenic, but additional data are needed to prove that conclusively. Therefore, this variant has been classified as Likely Pathogenic.

Reproductive Endocrine Unit, Massachusetts General Hospital
Classification: Uncertain significance for Hypogonadotropic hypogonadism 2 with or without anosmia. Last evaluated: 2023-05-04. Review status: criteria provided, single submitter. Criteria: ACMG Guidelines, 2015. Collection method: research. Allele origin: inherited. Affected: yes. Observed: 1 variant allele.

Literature cited by the submitters: PubMed 37805574 (cited by Labcorp Genetics (formerly Invitae), Labcorp); PubMed 16757108 (cited by Labcorp Genetics (formerly Invitae), Labcorp); PubMed 27596331 (cited by Labcorp Genetics (formerly Invitae), Labcorp).